The following continues an entry in ClinVar:

NM_000540.3(RYR1):c.1589G>A (p.Arg530His)

Gene: RYR1. ClinVar aggregate classification (germline): Likely pathogenic. Likely pathogenic (1).

Submissions 7 to 19 of 25:

Variantyx, Inc.
Classification: Likely pathogenic for Malignant hyperthermia, susceptibility to, 1. Last evaluated: 2025-07-20. Review status: criteria provided, single submitter. Criteria: Variantyx Assertion Criteria 2022. Collection method: clinical testing. Allele origin: germline. Inheritance: Autosomal dominant inheritance. Affected: yes. Not counted in ClinVar's aggregate classification.
Comment: This is a nonsynonymous variant in the RYR1 gene (OMIM: 180901). Pathogenic variants in this gene have been associated with autosomal dominant susceptibility to malignant hyperthermia 1. This variant has been reported in a heterozygous state in several unrelated, affected individuals (PMID: 35718563, 30236257, 19191333, 19191329) (PS4_Moderate). It lies within a known hotspot for pathogenic variants or a well-established critical functional domain of the RYR1 protein (PMID: 16084090, 21118704) (PM1), and multiple computational algorithms predict a deleterious effect for this variant (REVEL score: 0.93) (PP3). This variant has a 0.0083% maximum allele frequency in non-founder control populations. Based on the current evidence, this variant is classified as likely pathogenic for autosomal dominant susceptibility to malignant hyperthermia 1.

CeGaT Center for Human Genetics Tuebingen
Classification: Likely pathogenic. Last evaluated: 2025-06-01. Review status: criteria provided, single submitter. Criteria: CeGaT Center For Human Genetics Tuebingen Variant Classification Criteria Version 2. Collection method: clinical testing. Allele origin: germline. Affected: yes. Observed: 8 variant alleles. Not counted in ClinVar's aggregate classification.
Comment: RYR1: PS4, PM1, PS3:Supporting

All of Us Research Program, National Institutes of Health
Classification: Likely pathogenic for Malignant hyperthermia, susceptibility to, 1. Last evaluated: 2024-09-25. Review status: criteria provided, single submitter. Criteria: ACMG Guidelines, 2015. Collection method: clinical testing. Allele origin: germline. Inheritance: Autosomal dominant inheritance. Observed: 18 variant alleles, 18 heterozygotes. Not counted in ClinVar's aggregate classification.
Comment: The c.1589G>A (p.Arg530His) variant, located on the exon 15 of the RYR1 gene, replaces arginine with histidine at codon 530. This missense change has been observed in five unrelated individuals with personal or family histories of a malignant hyperthermia reaction, positive in vitro contracture test (IVCT) or caffeine halothane contracture test (CHCT) (PMID:19191329, 19191333, 30236257, 35718563). This variant has been reported to segregate with malignant hyperthermia susceptibility (MHS) in two individuals (PMID:19191333). This variant is located in a mutational hot spot that has been reported to contribute to MHS (PMID: 21118704). Although a functional study found that B-lymphocytes expressing RYR1 variant p.Arg530His displayed higher activity compared with controls, accounting for the MH-susceptible phenotype, this assay is not considered a standard assay by the ClinGen RYR1 Variant Curation Expert Panel for MHS (PMID:27646467). Computational prediction (REVEL >0.85) suggests that this variant may have deleterious impact on protein structure and function. This variant has been classified as likely pathogenic/pathogenic by multiple submitters in ClinVar including the expert review panel (ID: 133101). This variant is rare (14/251494 chromosomes) in the general population by the Genome Aggregation Database (gnomAD). Therefore, the c.1589G>A(p.Arg530His) variant in the RYR1 gene is classified as likely pathogenic.

This study involves interpretation of variants in research participants for the purpose of population health screening. Participant phenotype was not available at the time of variant classification. Additional details can be found in publication PMID: 35346344, PMCID: PMC8962531

ARUP Laboratories, Molecular Genetics and Genomics, ARUP Laboratories
Classification: Likely pathogenic. Last evaluated: 2024-08-08. Review status: criteria provided, single submitter. Criteria: ARUP Molecular Germline Variant Investigation Process 2024. Collection method: clinical testing. Allele origin: germline. Not counted in ClinVar's aggregate classification.
Comment: The RYR1 c.1589G>A; p.Arg530His variant (rs111888148) is reported in the literature in multiple individuals and families affected with malignant hyperthermia (Levano 2009, Miller 2018, Mungunsukh 2019, Robinson 2006, Tsutsumi 2021, Zullo 2009). This variant is found in the general population with an overall allele frequency of 0.006% (14/251,494 alleles) in the Genome Aggregation Database. This variant occurs in the functionally important N-terminal domain, and computational analyses predict that this variant is deleterious (REVEL: 0.93). Functional assays indicate lymphoblastoid cell lines exhibit increased acidification in response to 4-chloro-m-cresol compared to cells expressing wildtype RYR1 (Zullo 2009), although this is not considered a standard assay. Based on available information, this variant is considered to be likely pathogenic. References: Levano S et al. Increasing the number of diagnostic mutations in malignant hyperthermia. Hum Mutat. 2009 Apr;30(4):590-8. PMID: 19191329. Miller DM et al. Genetic epidemiology of malignant hyperthermia in the UK. Br J Anaesth. 2018 Oct;121(4):944-952. PMID: 30236257. Mungunsukh O et al. Estimating prevalence of malignant hyperthermia susceptibility through population genomics data. Br J Anaesth. 2019 Sep;123(3):e461-e463. PMID: 31301762. Robinson R et al. Mutations in RYR1 in malignant hyperthermia and central core disease. Hum Mutat. 2006 Oct;27(10):977-89. PMID: 16917943. Tsutsumi YM et al. Malignant hyperthermia in a 16-day-old infant with congenital diaphragmatic hernia: a case report. J Anesth. 2021 Apr;35(2):311-314. PMID: 33625594. Zullo A et al. Functional characterization of ryanodine receptor (RYR1) sequence variants using a metabolic assay in immortalized B-lymphocytes. Hum Mutat. 2009 Apr;30(4):E575-90. PMID: 19191333.

Revvity Omics, Revvity
Classification: Likely pathogenic. Last evaluated: 2024-08-05. Review status: criteria provided, single submitter. Criteria: ACMG Guidelines, 2015. Collection method: clinical testing. Allele origin: germline. Not counted in ClinVar's aggregate classification.

Blueprint Genetics
Classification: Likely pathogenic for RYR1-related disorders. Last evaluated: 2024-07-01. Review status: criteria provided, single submitter. Criteria: ACMG Guidelines, 2015. Collection method: clinical testing. Allele origin: germline. Affected: yes. Observed: 5 variant alleles. Not counted in ClinVar's aggregate classification.

Fulgent Genetics
Classification: Likely pathogenic for Central core myopathy; Malignant hyperthermia, susceptibility to, 1; Congenital multicore myopathy with external ophthalmoplegia; King Denborough syndrome. Last evaluated: 2024-05-21. Review status: criteria provided, single submitter. Criteria: ACMG Guidelines, 2015. Collection method: clinical testing. Allele origin: germline. Not counted in ClinVar's aggregate classification.

Mayo Clinic Laboratories, Mayo Clinic
Classification: Likely pathogenic. Last evaluated: 2024-01-30. Review status: criteria provided, single submitter. Criteria: ACMG Guidelines, 2015. Collection method: clinical testing. Allele origin: germline. Observed: 1 variant allele. Not counted in ClinVar's aggregate classification.
Comment: PP3, PM1, PS3_supporting, PS4_moderate

Baylor Genetics
Classification: Pathogenic for Malignant hyperthermia, susceptibility to, 1. Last evaluated: 2023-08-30. Review status: criteria provided, single submitter. Criteria: ACMG Guidelines, 2015. Collection method: clinical testing. Allele origin: unknown. Not counted in ClinVar's aggregate classification.

Institute of Human Genetics, University of Leipzig Medical Center
Classification: Likely pathogenic for Malignant hyperthermia, susceptibility to, 1. Last evaluated: 2023-07-12. Review status: criteria provided, single submitter. Criteria: ACMG Guidelines, 2015. Collection method: clinical testing. Allele origin: unknown. Inheritance: Autosomal dominant inheritance. Affected: yes. Not counted in ClinVar's aggregate classification.
Comment: Criteria applied: PS4,PS3_SUP,PM2_SUP,PP3

Women's Health and Genetics/Laboratory Corporation of America, LabCorp
Classification: Pathogenic for Malignant hyperthermia of anesthesia. Last evaluated: 2022-08-07. Review status: criteria provided, single submitter. Criteria: LabCorp Variant Classification Summary - May 2015. Collection method: clinical testing. Allele origin: germline. Not counted in ClinVar's aggregate classification.
Comment: Variant summary: RYR1 c.1589G>A (p.Arg530His) results in a non-conservative amino acid change located in the RIH domain (IPR000699) of the encoded protein sequence. Five of five in-silico tools predict a damaging effect of the variant on protein function. The variant allele was found at a frequency of 5.6e-05 in 251494 control chromosomes. This frequency is not significantly higher than estimated for a pathogenic variant in RYR1 causing Malignant Hyperthermia Susceptibility (5.6e-05 vs 8.8e-05), allowing no conclusion about variant significance. c.1589G>A has been reported in the literature as a heterozygous/compound heterozygous genotype in individuals affected with Malignant Hyperthermia Susceptibility or Neuromuscular Disease (example, Levano_2009, Zullo_2009, Todd_2015, Miller_2018, Kushnir_2020, Herman_2021, Tsutsumi_2021). These data indicate that the variant is very likely to be associated with disease. At least two publications report experimental evidence evaluating an impact on protein function reporting increased acidification rate of lymphoblastoid cells and immortalized B-lymphocytes in response to 4-chloro-mcresol (4-CmC) (example, Zullo_2009, Hoppe_2016). Multiple clinical diagnostic laboratories and an expert panel (ClinGen Malignant Hyperthermia Susceptibility Variant Curation Expert Panel) have submitted clinical-significance assessments for this variant to ClinVar after 2014 with a majority consensus as pathogenic/likely pathogenic (n=9) (VUS, n=2 to include the expert panel). Based on the evidence outlined above, the variant was classified as pathogenic.

AiLife Diagnostics
Classification: Likely pathogenic. Last evaluated: 2021-12-21. Review status: criteria provided, single submitter. Criteria: ACMG Guidelines, 2015. Collection method: clinical testing. Allele origin: germline. Affected: yes. Observed: 2 variant alleles. Not counted in ClinVar's aggregate classification.

Institute for Clinical Genetics, University Hospital TU Dresden, University Hospital TU Dresden
Classification: Likely pathogenic. Last evaluated: 2021-10-05. Review status: criteria provided, single submitter. Criteria: ACMG Guidelines, 2015. Collection method: clinical testing. Allele origin: paternal. Not counted in ClinVar's aggregate classification.